The following is an entry in ClinVar:

ClinVar aggregate classification (germline): Uncertain significance (1 of 4 stars; one submission).

Conditions:
POLD1-related polyposis and colorectal cancer syndrome (CRCS10). Also called: Colorectal cancer 10; Colorectal cancer, susceptibility to, 10; COLORECTAL CANCER, SUSCEPTIBILITY TO, ON CHROMOSOME 19q. Identifiers: Orphanet 220460, MedGen C2675481, MONDO:0012953, OMIM 612591.

Submission:

Labcorp Genetics (formerly Invitae), Labcorp
Classification: Uncertain significance for POLD1-related polyposis and colorectal cancer syndrome. Last evaluated: 2023-08-24. Review status: criteria provided, single submitter. Criteria: Invitae Variant Classification Sherloc (09022015). Collection method: clinical testing. Allele origin: germline.
Comment: In summary, the available evidence is currently insufficient to determine the role of this variant in disease. Therefore, it has been classified as a Variant of Uncertain Significance. Experimental studies and prediction algorithms are not available or were not evaluated, and the effect of this variant on mRNA splicing is currently unknown. This variant has not been reported in the literature in individuals affected with POLD1-related conditions. This variant is not present in population databases (gnomAD no frequency). This sequence change falls in intron 20 of the POLD1 gene. It does not directly change the encoded amino acid sequence of the POLD1 protein.

NM_002691.4(POLD1):c.2564+26_2564+62del

Gene: POLD1 (DNA polymerase delta 1, catalytic subunit; plus strand). Cytogenetic location: 19q13.33.
Variant type: Deletion.
Coding change: c.2564+26_2564+62del on transcript NM_002691.4 (MANE Select); bases 26 to 62 of the intron after coding-DNA position 2564, 37 bases deleted.
Molecular consequence: intron variant.
Genome position (GRCh38, 1-based): chr19:50,415,016-50,415,052, 37 bases deleted; deleting any 37 consecutive bases within chr19:50,415,001-50,415,052 gives the same sequence; the c. name uses the placement nearest the transcript's 3' end. GRCh37 (hg19): chr19:50,918,273-50,918,309.
Other names: c.2564+26_2564+62del (NM_001256849.1); c.2642+26_2642+62del (NM_001308632.1).
Identifiers: ClinVar variation 2727852 (VCV002727852.3), dbSNP rs2514049457, ClinGen allele CA2586571221.
Genomic context (GRCh38, chr19:50,415,000, plus strand): 5'-CCTCGTGGCCAACCTGGTCACTGCCTCACTGCGCCGCCTGCTCATCGACCGGTGTGTGGG[GCCTCCTCCCTCAGACTCAGGGGGCTGGGCCCCAAACC>G]CCTCCTCCCTCAGACCCAGGAGTCTAGGCCCCAGCCCCTCCTCCCTCAGACCCACGGGTC-3'